The following is an entry in ClinVar:

NM_058179.4(PSAT1):c.213G>C (p.Lys71Asn)

Gene: PSAT1 (phosphoserine aminotransferase 1; plus strand). Cytogenetic location: 9q21.2.
Variant type: single nucleotide variant.
Coding change: c.213G>C on transcript NM_058179.4 (MANE Select); coding-DNA position 213, G replaced by C.
Protein change: p.Lys71Asn; replaces lysine 71 with asparagine.
Molecular consequence: missense variant.
Genome position (GRCh38, 1-based): chr9:78,304,756, G>C. VCF-style: chr9-78304756-G-C. GRCh37 (hg19) VCF-style: chr9-80919672-G-C.
Other names: c.213G>C, p.Lys71Asn (NM_021154.5); short protein forms K71N.
Identifiers: ClinVar variation 976981 (VCV000976981.5), dbSNP rs542332287, ClinGen allele CA373872022.

ClinVar aggregate classification (germline): Uncertain significance. Review status: criteria provided, single submitter (1 of 4 stars). 2 submissions from 2 submitters: Uncertain significance (1). 1 of the submissions does not count toward it. Last evaluated 2025-01-16.

Conditions:
Neu-Laxova syndrome 2. Identifiers: Orphanet 2671, Orphanet 583602, MedGen C4015019, MONDO:0014466, OMIM 616038.

Submissions (2):

Labcorp Genetics (formerly Invitae), Labcorp
Classification: Uncertain significance for Neu-Laxova syndrome 2. Last evaluated: 2025-01-16. Review status: criteria provided, single submitter. Criteria: Invitae Variant Classification Sherloc (09022015). Collection method: clinical testing. Allele origin: germline.
Comment: This sequence change replaces lysine, which is basic and polar, with asparagine, which is neutral and polar, at codon 71 of the PSAT1 protein (p.Lys71Asn). This variant is not present in population databases (gnomAD no frequency). This variant has not been reported in the literature in individuals affected with PSAT1-related conditions. ClinVar contains an entry for this variant (Variation ID: 976981). Invitae Evidence Modeling of protein sequence and biophysical properties (such as structural, functional, and spatial information, amino acid conservation, physicochemical variation, residue mobility, and thermodynamic stability) has been performed for this missense variant. However, the output from this modeling did not meet the statistical confidence thresholds required to predict the impact of this variant on PSAT1 protein function. Experimental studies have shown that this missense change does not substantially affect PSAT1 function (PMID: 32077105). In summary, the available evidence is currently insufficient to determine the role of this variant in disease. Therefore, it has been classified as a Variant of Uncertain Significance.

Dudley Research Group, Pacific Northwest Research Institute
No classification provided. Review status: no classification provided. Collection method: research, in vivo. Allele origin: unknown, not applicable. Functional consequence: functionally_normal. Not counted in ClinVar's aggregate classification.

Literature cited by the submitters: PubMed 32077105 (cited by Labcorp Genetics (formerly Invitae), Labcorp).